The following is an entry in ClinVar:

NM_015656.2(KIF26A):c.125A>G (p.Gln42Arg)

Gene: KIF26A (kinesin family member 26A; plus strand). Cytogenetic location: 14q32.33.
Variant type: single nucleotide variant.
Coding change: c.125A>G on transcript NM_015656.2 (MANE Select); coding-DNA position 125, A replaced by G.
Protein change: p.Gln42Arg; replaces glutamine 42 with arginine.
Molecular consequence: missense variant.
Genome position (GRCh38, 1-based): chr14:104,139,125, A>G. VCF-style: chr14-104139125-A-G. GRCh37 (hg19) VCF-style: chr14-104605462-A-G.
Other names: short protein forms Q42R.
Identifiers: ClinVar variation 4874079 (VCV004874079.2).
Genomic context (GRCh38, chr14:104,139,125, plus strand): 5'-GCGAGCCGCCGCCGCTGCTGGAGGTGTCCCCCCGAAAGAGGCTACCCGCCGGGCCCGACC[A>G]GGACCCATGCGGCAGCCGCCCTGCTCCCGAAGGCGCCGGGGCCGGCCCAGAGCAGGGCCA-3'
Protein context (NP_056471.1, residues 32-52): PRKRLPAGPD[Gln42Arg]DPCGSRPAPE

ClinVar aggregate classification (germline): Uncertain significance (1 of 4 stars; one submission).

gnomAD v4.1: 12 of 1,507,494 alleles (0.0008%); highest among the groups gnomAD compares: Non-Finnish European, 0.00097%; no homozygotes.

Submission:

CeGaT Center for Human Genetics Tuebingen
Classification: Uncertain significance. Last evaluated: 2026-04-01. Review status: criteria provided, single submitter. Criteria: CeGaT Center For Human Genetics Tuebingen Variant Classification Criteria Version 2. Collection method: clinical testing. Allele origin: germline. Affected: yes. Observed: 1 variant allele.
Comment: KIF26A: PM2